The following is an entry in ClinVar:

ClinVar aggregate classification (germline): Likely benign. Review status: criteria provided, multiple submitters, no conflicts (2 of 4 stars). 2 submissions from 2 submitters: Likely benign (2). Last evaluated 2025-12-01.

Allele frequency attached by ClinVar (database versions not stated): gnomAD exomes below 0.00001; TOPMed below 0.00001.
gnomAD v4.1: 4 of 1,518,784 alleles (0.00026%); highest among the groups gnomAD compares: Admixed American, 0.006%; no homozygotes.

Submissions (2):

CeGaT Center for Human Genetics Tuebingen
Classification: Likely benign. Last evaluated: 2025-12-01. Review status: criteria provided, single submitter. Criteria: CeGaT Center For Human Genetics Tuebingen Variant Classification Criteria Version 2. Collection method: clinical testing. Allele origin: germline. Affected: yes. Observed: 1 variant allele.
Comment: APC2: BP4, BP7

Labcorp Genetics (formerly Invitae), Labcorp
Classification: Likely benign. Last evaluated: 2022-04-08. Review status: criteria provided, single submitter. Criteria: Invitae Variant Classification Sherloc (09022015). Collection method: clinical testing. Allele origin: germline.

NM_005883.3(APC2):c.6495G>A (p.Thr2165=)

Gene: APC2 (APC regulator of Wnt signaling pathway 2; plus strand). Cytogenetic location: 19p13.3.
Variant type: single nucleotide variant.
Coding change: c.6495G>A on transcript NM_005883.3 (MANE Select); coding-DNA position 6495, G replaced by A.
Protein change: p.Thr2165=; no amino-acid change (threonine 2165 retained).
Molecular consequence: synonymous variant.
Genome position (GRCh38, 1-based): chr19:1,469,796, G>A. VCF-style: chr19-1469796-G-A. GRCh37 (hg19) VCF-style: chr19-1469795-G-A.
Other names: c.6492G>A, p.Thr2164= (NM_001351273.1).
Identifiers: ClinVar variation 2170979 (VCV002170979.9), dbSNP rs1353492233, ClinGen allele CA504899021.